The following is an entry in ClinVar:

NM_000075.4(CDK4):c.537G>A (p.Trp179Ter)

Gene: CDK4 (cyclin dependent kinase 4; minus strand). Cytogenetic location: 12q14.1.
Variant type: single nucleotide variant.
Coding change: c.537G>A on transcript NM_000075.4 (MANE Select); coding-DNA position 537, G replaced by A.
Protein change: p.Trp179Ter; replaces tryptophan 179 with a stop codon.
Molecular consequence: nonsense.
Genome position (GRCh38, 1-based): chr12:57,750,751, C>T on the plus strand (G>A on the coding strand, the complement: CDK4 is on the minus strand). VCF-style: chr12-57750751-C-T. GRCh37 (hg19) VCF-style: chr12-58144534-C-T.
Other names: short protein forms W179*.
Identifiers: ClinVar variation 4633166 (VCV004633166.1).

ClinVar aggregate classification (germline): Uncertain significance (1 of 4 stars; one submission).

Conditions:
Hereditary cancer-predisposing syndrome. Also called: Neoplastic Syndromes, Hereditary; Tumor predisposition; Hereditary Cancer Syndrome; Hereditary neoplastic syndrome. Identifiers: Orphanet 140162, MedGen C0027672, MeSH D009386, MONDO:0015356.

Submission:

Ambry Genetics
Classification: Uncertain significance for Hereditary cancer-predisposing syndrome. Last evaluated: 2025-11-12. Review status: criteria provided, single submitter. Criteria: Ambry Variant Classification Scheme 2023. Collection method: clinical testing. Allele origin: germline.
Comment: The p.W179* variant (also known as c.537G>A), located in coding exon 4 of the CDK4 gene, results from a G to A substitution at nucleotide position 537. This changes the amino acid from a tryptophan to a stop codon within coding exon 4. This alteration is expected to result in loss of function by premature protein truncation or nonsense-mediated mRNA decay. However, loss of function has not been established as a mechanism of disease. Based on the available evidence, the clinical significance of this alteration remains unclear.